The following is an entry in ClinVar:

ClinVar aggregate classification (germline): Likely benign. Review status: criteria provided, multiple submitters, no conflicts (2 of 4 stars). 2 submissions from 2 submitters: Likely benign (2). Last evaluated 2026-01-27.

Conditions:
Dilated cardiomyopathy 1G (CMD1G). Identifiers: Orphanet 154, MedGen C1858763, MONDO:0011400, OMIM 604145.
Autosomal recessive limb-girdle muscular dystrophy type 2J (LGMDR10). Also called: Limb-girdle muscular dystrophy, type 2J; MUSCULAR DYSTROPHY, LIMB-GIRDLE, AUTOSOMAL RECESSIVE 10. Identifiers: Orphanet 140922, MedGen C1837342, MONDO:0012127, OMIM 608807.

Allele frequency attached by ClinVar (database versions not stated): gnomAD exomes 0.00001 and 0.00003; ExAC 0.00003; TOPMed 0.00009; gnomAD 0.00011 and 0.00014; ESP Exome Variant Server 0.00025.

Submissions (2):

Labcorp Genetics (formerly Invitae), Labcorp
Classification: Likely benign for Dilated cardiomyopathy 1G; Autosomal recessive limb-girdle muscular dystrophy type 2J. Last evaluated: 2026-01-27. Review status: criteria provided, single submitter. Criteria: Invitae Variant Classification Sherloc (09022015). Collection method: clinical testing. Allele origin: germline.

GeneDx
Classification: Likely benign. Last evaluated: 2017-05-05. Review status: criteria provided, single submitter. Criteria: GeneDx Variant Classification (06012015). Collection method: clinical testing. Allele origin: germline. Affected: yes.
Comment: This variant is considered likely benign or benign based on one or more of the following criteria: it is a conservative change, it occurs at a poorly conserved position in the protein, it is predicted to be benign by multiple in silico algorithms, and/or has population frequency not consistent with disease.

NM_001267550.2(TTN):c.99289+19T>C

Genes: TTN (titin; minus strand), TTN-AS1 (TTN antisense RNA 1; plus strand). Cytogenetic location: 2q31.2.
Variant type: single nucleotide variant.
Coding change: c.99289+19T>C on transcript NM_001267550.2 (MANE Select); 19 bases into the intron after coding-DNA position 99289, T replaced by C.
Molecular consequence: intron variant.
Genome position (GRCh38, 1-based): chr2:178,538,521, A>G on the plus strand (T>C on the coding strand, the complement: TTN is on the minus strand). VCF-style: chr2-178538521-A-G. GRCh37 (hg19) VCF-style: chr2-179403248-A-G.
Other names: c.94366+19T>C (NM_001256850.1); c.72670+19T>C (NM_133437.4); c.72469+19T>C (NM_133432.3); c.72094+19T>C (NM_003319.4); c.91585+19T>C (NM_133378.4).
Identifiers: ClinVar variation 380131 (VCV000380131.9), dbSNP rs370055296, ClinGen allele CA1986221.
Genomic context (GRCh38, chr2:178,538,521, plus strand): 5'-TTCTACTTAGTATAGAGGGGGAATTAGCCTTAACTTGTTTAGTTTGTAAATCATAAGTAG[A>G]GAACCAAAGGCTACTTACATGTGAGTTTAGTCTTTATAGACATAGCAGTTCTGCGAGGTC-3'